The following is an entry in ClinVar:

ClinVar aggregate classification (germline): Likely pathogenic. Review status: criteria provided, single submitter (1 of 4 stars). 2 submissions from 1 submitter: Likely pathogenic (1). 1 of the submissions does not count toward it. Last evaluated 2024-04-04.

Conditions:
Arrhythmogenic right ventricular dysplasia 9 (ARVD9). Also called: Arrhythmogenic Right Ventricular Dysplasia/Cardiomyopathy 9; ARRHYTHMOGENIC RIGHT VENTRICULAR DYSPLASIA, FAMILIAL, 9. Identifiers: MedGen C1836906, MONDO:0012180, OMIM 609040.

Submissions (2):

Genomic Medicine Center of Excellence, King Faisal Specialist Hospital and Research Centre
Classification: Likely pathogenic for Arrhythmogenic right ventricular dysplasia 9. Last evaluated: 2024-04-04. Review status: criteria provided, single submitter. Criteria: ACMG Guidelines, 2015. Collection method: clinical testing. Allele origin: germline.

Genomic Medicine Center of Excellence, King Faisal Specialist Hospital and Research Centre
Classification: Likely pathogenic. Review status: flagged submission. Criteria: ACMG Guidelines, 2015. Collection method: research. Allele origin: germline. Affected: yes. Not counted in ClinVar's aggregate classification.
ClinVar note: Reason: This record appears to be redundant with a more recent record from the same submitter.
ClinVar note: Notes: SCV000221408 appears to be redundant with SCV004809433.

NM_001005242.3(PKP2):c.1719G>C (p.Gln573His)

Gene: PKP2 (plakophilin 2; minus strand). Cytogenetic location: 12p11.21.
Variant type: single nucleotide variant.
Coding change: c.1719G>C on transcript NM_001005242.3 (MANE Select); coding-DNA position 1719, G replaced by C.
Protein change: p.Gln573His; replaces glutamine 573 with histidine.
Molecular consequence: missense variant.
Genome position (GRCh38, 1-based): chr12:32,822,587, C>G on the plus strand (G>C on the coding strand, the complement: PKP2 is on the minus strand). VCF-style: chr12-32822587-C-G. GRCh37 (hg19) VCF-style: chr12-32975521-C-G.
Other names: c.1851G>C, p.Gln617His (NM_004572.4); short protein forms Q617H, Q573H.
Identifiers: ClinVar variation 191035 (VCV000191035.2), dbSNP rs786205476, ClinGen allele CA011516.